The following is an entry in ClinVar:

NM_014679.5(CEP57):c.406G>C (p.Ala136Pro)

Gene: CEP57 (centrosomal protein 57; plus strand). Cytogenetic location: 11q21.
Variant type: single nucleotide variant.
Coding change: c.406G>C on transcript NM_014679.5 (MANE Select); coding-DNA position 406, G replaced by C.
Protein change: p.Ala136Pro; replaces alanine 136 with proline.
Molecular consequence: missense variant.
Genome position (GRCh38, 1-based): chr11:95,813,491, G>C. VCF-style: chr11-95813491-G-C. GRCh37 (hg19) VCF-style: chr11-95546655-G-C.
Other names: c.406G>C, p.Ala136Pro (NM_001440872.1, NM_001440874.1, NM_001440876.1 and 4 more transcripts); c.226G>C, p.Ala76Pro (NM_001440873.1, NM_001440881.1); c.325G>C, p.Ala109Pro (NM_001440875.1, NM_001440877.1, NM_001440878.1 and 3 more transcripts); c.145G>C, p.Ala49Pro (NM_001440880.1); c.379G>C, p.Ala127Pro (NM_001243776.2); short protein forms A109P, A127P, A136P, A76P, A49P.
Identifiers: ClinVar variation 4826399 (VCV004826399.1).
Genomic context (GRCh38, chr11:95,813,491, plus strand): 5'-TGAGTTGATTTCTGCTTTTCTTATGTATTCTTTTTAGAACTGACATCTCAGTTGTTAGCT[G>C]CAGAAAATAAATGCAATCTATTAGAAAAACAATTGGAATACATGCGAAATATGATAAAGC-3'
Protein context (NP_055494.2, residues 126-146): NQELTSQLLA[Ala136Pro]ENKCNLLEKQ

ClinVar aggregate classification (germline): Uncertain significance (1 of 4 stars; one submission).

Conditions:
Inborn genetic diseases. Identifiers: MedGen C0950123, MeSH D030342.

Submission:

Ambry Genetics
Classification: Uncertain significance for Inborn genetic diseases. Last evaluated: 2026-03-13. Review status: criteria provided, single submitter. Criteria: Ambry Variant Classification Scheme 2023. Collection method: clinical testing. Allele origin: germline.
Comment: The p.A136P variant (also known as c.406G>C), located in coding exon 4 of the CEP57 gene, results from a G to C substitution at nucleotide position 406. The alanine at codon 136 is replaced by proline, an amino acid with highly similar properties. This amino acid position is conserved. In addition, this alteration is predicted to be deleterious by in silico analysis. Based on the available evidence, the clinical significance of this variant remains unclear.